The following is an entry in ClinVar:

NM_001112741.2(KCNC1):c.121G>A (p.Asp41Asn)

Gene: KCNC1 (potassium voltage-gated channel subfamily C member 1; plus strand). Cytogenetic location: 11p15.1.
Variant type: single nucleotide variant.
Coding change: c.121G>A on transcript NM_001112741.2 (MANE Select); coding-DNA position 121, G replaced by A.
Protein change: p.Asp41Asn; replaces aspartic acid 41 with asparagine.
Molecular consequence: missense variant.
Genome position (GRCh38, 1-based): chr11:17,736,123, G>A. VCF-style: chr11-17736123-G-A. GRCh37 (hg19) VCF-style: chr11-17757670-G-A.
Other names: c.121G>A, p.Asp41Asn (NM_004976.4); short protein forms D41N.
Identifiers: ClinVar variation 567485 (VCV000567485.11), dbSNP rs1192156090, ClinGen allele CA379799137.

ClinVar aggregate classification (germline): Uncertain significance. Review status: criteria provided, multiple submitters, no conflicts (2 of 4 stars). 3 submissions from 3 submitters: Uncertain significance (3). Last evaluated 2024-03-25.

Conditions:
Progressive myoclonic epilepsy type 7. Identifiers: Orphanet 435438, MedGen C4015420, MONDO:0014521, OMIM 616187.

Allele frequency attached by ClinVar (database versions not stated): gnomAD exomes 0.00001.

Submissions (3):

Genomic Medicine Center of Excellence, King Faisal Specialist Hospital and Research Centre
Classification: Uncertain significance for Progressive myoclonic epilepsy type 7. Last evaluated: 2024-03-25. Review status: criteria provided, single submitter. Criteria: ACMG Guidelines, 2015. Collection method: clinical testing. Allele origin: germline.

Blueprint Genetics
Classification: Uncertain significance. Last evaluated: 2023-09-05. Review status: criteria provided, single submitter. Criteria: ACMG Guidelines, 2015. Collection method: clinical testing. Allele origin: germline.

Labcorp Genetics (formerly Invitae), Labcorp
Classification: Uncertain significance for Progressive myoclonic epilepsy type 7. Last evaluated: 2018-03-28. Review status: criteria provided, single submitter. Criteria: Invitae Variant Classification Sherloc (09022015). Collection method: clinical testing. Allele origin: germline.
Comment: Algorithms developed to predict the effect of missense changes on protein structure and function do not agree on the potential impact of this missense change (SIFT: "Tolerated"; PolyPhen-2: "Probably Damaging"; Align-GVGD: "Class C0"). In summary, the available evidence is currently insufficient to determine the role of this variant in disease. Therefore, it has been classified as a Variant of Uncertain Significance. This variant has not been reported in the literature in individuals with KCNC1-related disease. This variant is not present in population databases (ExAC no frequency). This sequence change replaces aspartic acid with asparagine at codon 41 of the KCNC1 protein (p.Asp41Asn). The aspartic acid residue is highly conserved and there is a small physicochemical difference between aspartic acid and asparagine.